The following is an entry in ClinVar:

ClinVar aggregate classification (germline): Uncertain significance. Review status: criteria provided, multiple submitters, no conflicts (2 of 4 stars). 4 submissions from 3 submitters: Uncertain significance (4). Last evaluated 2023-10-11.

Conditions:
Seckel syndrome 1 (SCKL1). Also called: MICROCEPHALIC PRIMORDIAL DWARFISM I. Identifiers: Orphanet 808, MedGen C4551474, MONDO:0008869, OMIM 210600.
Inborn genetic diseases. Identifiers: MedGen C0950123, MeSH D030342.
Familial cutaneous telangiectasia and oropharyngeal predisposition cancer syndrome. Identifiers: Orphanet 313846, MedGen C3281203, MONDO:0013806, OMIM 614564.

Allele frequency attached by ClinVar (database versions not stated): gnomAD exomes below 0.00001 and 0.00001; ExAC 0.00001; gnomAD 0.00001; TOPMed 0.00002.
gnomAD v4.1: 7 of 1,552,674 alleles (0.00045%); highest among the groups gnomAD compares: Admixed American, 0.0067%; no homozygotes.

Submissions (4):

Labcorp Genetics (formerly Invitae), Labcorp
Classification: Uncertain significance. Last evaluated: 2023-10-11. Review status: criteria provided, single submitter. Criteria: Invitae Variant Classification Sherloc (09022015). Collection method: clinical testing. Allele origin: germline.
Comment: This sequence change replaces aspartic acid, which is acidic and polar, with tyrosine, which is neutral and polar, at codon 1243 of the ATR protein (p.Asp1243Tyr). This variant is present in population databases (rs756859157, gnomAD 0.009%). This variant has not been reported in the literature in individuals affected with ATR-related conditions. ClinVar contains an entry for this variant (Variation ID: 1420952). Algorithms developed to predict the effect of missense changes on protein structure and function output the following: SIFT: "Not Available"; PolyPhen-2: "Benign"; Align-GVGD: "Not Available". The tyrosine amino acid residue is found in multiple mammalian species, which suggests that this missense change does not adversely affect protein function. In summary, the available evidence is currently insufficient to determine the role of this variant in disease. Therefore, it has been classified as a Variant of Uncertain Significance.

Genome-Nilou Lab
Classification: Uncertain significance for Seckel syndrome 1. Last evaluated: 2023-02-08. Review status: criteria provided, single submitter. Criteria: ACMG Guidelines, 2015. Collection method: clinical testing. Allele origin: germline.

Genome-Nilou Lab
Classification: Uncertain significance for Familial cutaneous telangiectasia and oropharyngeal predisposition cancer syndrome. Last evaluated: 2023-02-08. Review status: criteria provided, single submitter. Criteria: ACMG Guidelines, 2015. Collection method: clinical testing. Allele origin: germline.

Ambry Genetics
Classification: Uncertain significance for Inborn genetic diseases. Last evaluated: 2021-11-02. Review status: criteria provided, single submitter. Criteria: Ambry Variant Classification Scheme 2023. Collection method: clinical testing. Allele origin: germline.
Comment: The p.D1243Y variant (also known as c.3727G>T), located in coding exon 20 of the ATR gene, results from a G to T substitution at nucleotide position 3727. The aspartic acid at codon 1243 is replaced by tyrosine, an amino acid with highly dissimilar properties. This amino acid position is conserved. In addition, this alteration is predicted to be tolerated by in silico analysis. Since supporting evidence is limited at this time, the clinical significance of this alteration remains unclear.

NM_001184.4(ATR):c.3727G>T (p.Asp1243Tyr)

Gene: ATR (ATR checkpoint kinase; minus strand). Cytogenetic location: 3q23.
Variant type: single nucleotide variant.
Coding change: c.3727G>T on transcript NM_001184.4 (MANE Select); coding-DNA position 3727, G replaced by T.
Protein change: p.Asp1243Tyr; replaces aspartic acid 1243 with tyrosine.
Molecular consequence: missense variant.
Genome position (GRCh38, 1-based): chr3:142,536,200, C>A on the plus strand (G>T on the coding strand, the complement: ATR is on the minus strand). VCF-style: chr3-142536200-C-A. GRCh37 (hg19) VCF-style: chr3-142255042-C-A.
Other names: c.3535G>T, p.Asp1179Tyr (NM_001354579.2); short protein forms D1243Y, D1179Y.
Identifiers: ClinVar variation 1420952 (VCV001420952.8), dbSNP rs756859157, ClinGen allele CA2650012.